The following is an entry in ClinVar:

NM_002693.3(POLG):c.2686C>G (p.Leu896Val)

Gene: POLG (DNA polymerase gamma, catalytic subunit; minus strand). Cytogenetic location: 15q26.1.
Variant type: single nucleotide variant.
Coding change: c.2686C>G on transcript NM_002693.3 (MANE Select); coding-DNA position 2686, C replaced by G.
Protein change: p.Leu896Val; replaces leucine 896 with valine.
Molecular consequence: missense variant.
Genome position (GRCh38, 1-based): chr15:89,321,173, G>C on the plus strand (C>G on the coding strand, the complement: POLG is on the minus strand). VCF-style: chr15-89321173-G-C. GRCh37 (hg19) VCF-style: chr15-89864404-G-C.
Other names: c.2686C>G, p.Leu896Val (NM_001126131.2); short protein forms L896V.
Identifiers: ClinVar variation 2171156 (VCV002171156.4), dbSNP rs1295449015, ClinGen allele CA393753641.

ClinVar aggregate classification (germline): Uncertain significance (1 of 4 stars; one submission).

Conditions:
Progressive sclerosing poliodystrophy (MTDPS4A). Also called: Mitochondrial DNA depletion syndrome 4A (Alpers type); ALPERS PROGRESSIVE INFANTILE POLIODYSTROPHY; NEURONAL DEGENERATION OF CHILDHOOD WITH LIVER DISEASE, PROGRESSIVE; Alpers Syndrome; ALPERS DIFFUSE DEGENERATION OF CEREBRAL GRAY MATTER WITH HEPATIC CIRRHOSIS; Alpers-Huttenlocher Syndrome. Identifiers: Orphanet 726, MedGen C0205710, MONDO:0008758, OMIM 203700.

Submission:

Labcorp Genetics (formerly Invitae), Labcorp
Classification: Uncertain significance for Progressive sclerosing poliodystrophy. Last evaluated: 2022-09-01. Review status: criteria provided, single submitter. Criteria: Invitae Variant Classification Sherloc (09022015). Collection method: clinical testing. Allele origin: germline.
Comment: In summary, the available evidence is currently insufficient to determine the role of this variant in disease. Therefore, it has been classified as a Variant of Uncertain Significance. Algorithms developed to predict the effect of sequence changes on RNA splicing suggest that this variant may create or strengthen a splice site. Algorithms developed to predict the effect of missense changes on protein structure and function are either unavailable or do not agree on the potential impact of this missense change (SIFT: "Tolerated"; PolyPhen-2: "Probably Damaging"; Align-GVGD: "Class C0"). This variant has not been reported in the literature in individuals affected with POLG-related conditions. This variant is present in population databases (no rsID available, gnomAD 0.01%). This sequence change replaces leucine, which is neutral and non-polar, with valine, which is neutral and non-polar, at codon 896 of the POLG protein (p.Leu896Val).